The following is an entry in ClinVar:

NM_015874.6(RBPJ):c.552A>G (p.Thr184=)

Gene: RBPJ (recombination signal binding protein for immunoglobulin kappa J region; plus strand). Cytogenetic location: 4p15.2.
Variant type: single nucleotide variant.
Coding change: c.552A>G on transcript NM_015874.6 (MANE Select); coding-DNA position 552, A replaced by G.
Protein change: p.Thr184=; no amino-acid change (threonine 184 retained).
Molecular consequence: synonymous variant.
Genome position (GRCh38, 1-based): chr4:26,424,397, A>G. VCF-style: chr4-26424397-A-G. GRCh37 (hg19) VCF-style: chr4-26426019-A-G.
Other names: c.486A>G, p.Thr162= (NM_001363577.2, NM_203283.5); c.591A>G, p.Thr197= (NM_001374400.1, NM_001379408.1, NM_005349.4); c.549A>G, p.Thr183= (NM_001374401.1, NM_001374402.1, NM_001374403.1 and 3 more transcripts); c.546A>G, p.Thr182= (NM_001379409.1).
Identifiers: ClinVar variation 2032921 (VCV002032921.4), dbSNP rs774456375, ClinGen allele CA438825568.

ClinVar aggregate classification (germline): Uncertain significance (1 of 4 stars; one submission).

Allele frequency attached by ClinVar (database versions not stated): gnomAD exomes below 0.00001.
gnomAD v4.1: 2 of 1,614,116 alleles (0.00012%); highest among the groups gnomAD compares: Non-Finnish European, 0.00017%; no homozygotes.

Submission:

Labcorp Genetics (formerly Invitae), Labcorp
Classification: Uncertain significance. Last evaluated: 2022-09-27. Review status: criteria provided, single submitter. Criteria: Invitae Variant Classification Sherloc (09022015). Collection method: clinical testing. Allele origin: germline.
Comment: This variant is not present in population databases (gnomAD no frequency). This sequence change affects codon 197 of the RBPJ mRNA. It is a 'silent' change, meaning that it does not change the encoded amino acid sequence of the RBPJ protein. This variant has not been reported in the literature in individuals affected with RBPJ-related conditions. In summary, the available evidence is currently insufficient to determine the role of this variant in disease. Therefore, it has been classified as a Variant of Uncertain Significance. Algorithms developed to predict the effect of sequence changes on RNA splicing suggest that this variant may create or strengthen a splice site.